The following is an entry in ClinVar:

ClinVar aggregate classification (germline): Pathogenic. Review status: criteria provided, multiple submitters, no conflicts (2 of 4 stars). 7 submissions from 7 submitters: Pathogenic (6). 1 of the submissions does not count toward it. Last evaluated 2026-01-19.

Conditions:
SCNN1A-related disorder. Also called: SCNN1A-related condition; SCNN1A-related disorders.
Liddle syndrome 3. Identifiers: MedGen C4748292, MONDO:0029132, OMIM 618126.
Pseudohypoaldosteronism, type IB1, autosomal recessive. Also called: Autosomal recessive pseudohypoaldosteronism type 1; Pseudohypoaldosteronism, Type I, Autosomal Recessive; Pseudohypoaldosteronism, Type I, Recessive; PHA I, AUTOSOMAL RECESSIVE. Identifiers: Orphanet 171876, Orphanet 756, MedGen C5774176, MONDO:0009917, OMIM 264350.
Bronchiectasis with or without elevated sweat chloride 2 (BESC2). Identifiers: Orphanet 60033, MedGen C2751666, MONDO:0013087, OMIM 613021.
Pseudohypoaldosteronism. Identifiers: Orphanet 444916, MedGen C0033805, MONDO:0018638, HP:0008242.

Allele frequency attached by ClinVar (database versions not stated): ExAC 0.00003; gnomAD exomes 0.00001 and below 0.00001.

Submissions (7):

Labcorp Genetics (formerly Invitae), Labcorp
Classification: Pathogenic. Last evaluated: 2026-01-19. Review status: criteria provided, single submitter. Criteria: Invitae Variant Classification Sherloc (09022015). Collection method: clinical testing. Allele origin: germline.
Comment: This sequence change creates a premature translational stop signal (p.Arg192Glyfs*57) in the SCNN1A gene. It is expected to result in an absent or disrupted protein product. Loss-of-function variants in SCNN1A are known to be pathogenic (PMID: 10403853, 23416952). This variant is present in population databases (rs767638989, gnomAD 0.01%). This premature translational stop signal has been observed in individual(s) with autosomal recessive pseudohypoaldosteronism (PMID: 38288475). ClinVar contains an entry for this variant (Variation ID: 988230). For these reasons, this variant has been classified as Pathogenic.

Center for Genomic Medicine, Rigshospitalet, Copenhagen University Hospital
Classification: Pathogenic. Last evaluated: 2025-12-29. Review status: criteria provided, single submitter. Criteria: ACMG Guidelines, 2015. Collection method: clinical testing. Allele origin: germline.

Rady Children's Institute for Genomic Medicine, Rady Children's Hospital San Diego
Classification: Pathogenic for SCNN1A-related disorders. Last evaluated: 2025-12-29. Review status: criteria provided, single submitter. Criteria: ACMG Guidelines, 2015. Collection method: clinical testing. Allele origin: germline. Affected: yes.
Comment: This frameshifting variant in exon 3 of 13 is predicted to result in loss of normal protein function through either protein truncation or nonsense-mediated mRNA decay. Loss-of-function variation in SCNN1A has been reported in affected individuals in the literature (PMID: 37252702). This variant has been previously reported as a homozygous change in patients with pseudohypoaldosteronism (PMID: 38288475, 28844315). The c.574del (p.Arg192GlyfsTer57) variant is present in the latest version of the gnomAD population database at an allele frequency of 0.0003% (5/1610756) and is absent in the homozygous state; thus, it is presumed to be rare. Based on the available evidence, c.574del (p.Arg192GlyfsTer57) is classified as Pathogenic.

Clinical Genetics Laboratory, University Hospital Schleswig-Holstein
Classification: Pathogenic for Pseudohypoaldosteronism, type IB1, autosomal recessive. Last evaluated: 2025-04-01. Review status: criteria provided, single submitter. Criteria: ACMG Guidelines, 2015. Collection method: clinical testing. Allele origin: biparental. Affected: yes. Observed: 1 homozygote.
Comment: ACMG criteria applied: PM2, PM3_Supporting, PVS1, PP4

Fulgent Genetics
Classification: Pathogenic for Pseudohypoaldosteronism, type IB1, autosomal recessive; Bronchiectasis with or without elevated sweat chloride 2; Liddle syndrome 3. Last evaluated: 2021-10-25. Review status: criteria provided, single submitter. Criteria: ACMG Guidelines, 2015. Collection method: clinical testing. Allele origin: unknown.

Blueprint Genetics
Classification: Pathogenic for SCNN1A-related disorders. Last evaluated: 2021-02-01. Review status: criteria provided, single submitter. Criteria: ACMG Guidelines, 2015. Collection method: clinical testing. Allele origin: germline. Affected: yes. Observed: 5 variant alleles.

Sydney Genome Diagnostics, Children's Hospital Westmead
Classification: Pathogenic for Pseudohypoaldosteronism. Last evaluated: 2018-09-06. Review status: no assertion criteria provided. Collection method: clinical testing. Allele origin: unknown. Affected: yes. Observed: 1 variant allele, 1 homozygote. Not counted in ClinVar's aggregate classification.
Comment: This frameshifting variant is predicted to create a premature stop codon downstream (p.Arg192Glyfs*57), and may result in a null allele due to nonsense-mediated mRNA decay. To our knowledge, this variant has not been previously reported. However, other nonsense variants downstream in the homozygote and compound heterozygote form have been reported in patients with pseudohypoaldosteronism type 1 (Schaedel et al 1999 J Pediatr 135:739-745), suggesting that the variant is likely to be pathogenic.

Literature cited by the submitters: PubMed 10403853 (cited by Labcorp Genetics (formerly Invitae), Labcorp); PubMed 23416952 (cited by Labcorp Genetics (formerly Invitae), Labcorp); PubMed 38288475 (cited by 3 submitters); PubMed 39419738 (cited by Center for Genomic Medicine, Rigshospitalet, Copenhagen University Hospital); PubMed 33829730 (cited by Center for Genomic Medicine, Rigshospitalet, Copenhagen University Hospital); PubMed 10586178 (cited by Center for Genomic Medicine, Rigshospitalet, Copenhagen University Hospital); PubMed 28844315 (cited by Center for Genomic Medicine, Rigshospitalet, Copenhagen University Hospital and Rady Children's Institute for Genomic Medicine, Rady Children's Hospital San Diego); PubMed 37252702 (cited by Rady Children's Institute for Genomic Medicine, Rady Children's Hospital San Diego).

NM_001038.6(SCNN1A):c.574del (p.Arg192fs)

Gene: SCNN1A (sodium channel epithelial 1 subunit alpha; minus strand). Cytogenetic location: 12p13.31.
Variant type: Deletion.
Coding change: c.574del on transcript NM_001038.6 (MANE Select); coding-DNA position 574, one base deleted (A; older notation c.574delA).
Protein change: p.Arg192fs; shifts the reading frame from arginine 192.
Molecular consequence: frameshift variant.
Genome position (GRCh38, 1-based): chr12:6,363,553, T deleted on the plus strand (A on the coding strand, the reverse complement: SCNN1A is on the minus strand). VCF-style (leftmost placement, unchanged base first): chr12-6363552-CT-C. GRCh37 (hg19) VCF-style: chr12-6472718-CT-C.
Other names: c.643del, p.Arg215fs (NM_001159575.2); c.751del, p.Arg251fs (NM_001159576.2); c.574delA (NM_001038.6); short protein forms R192fs, R215fs, R251fs.
Identifiers: ClinVar variation 988230 (VCV000988230.7), dbSNP rs767638989, ClinGen allele CA6406184.